The following is an entry in ClinVar:

ClinVar aggregate classification (germline): Uncertain significance (1 of 4 stars; one submission).

Conditions:
ALG6-congenital disorder of glycosylation 1C (CDG1C). Also called: CDG Ic; Congenital disorder of glycosylation type 1C; Congenital disorder of glycosylation, type Ic; CARBOHYDRATE-DEFICIENT GLYCOPROTEIN SYNDROME, TYPE I, WITH DEFICIENT GLYCOSYLATION OF DOLICHOL-LINKED OLIGOSACCHARIDE; CARBOHYDRATE-DEFICIENT GLYCOPROTEIN SYNDROME, TYPE V. Identifiers: Orphanet 79320, MedGen C2930997, MONDO:0011291, OMIM 603147.

Submission:

Labcorp Genetics (formerly Invitae), Labcorp
Classification: Uncertain significance for ALG6-congenital disorder of glycosylation 1C. Last evaluated: 2022-04-08. Review status: criteria provided, single submitter. Criteria: Invitae Variant Classification Sherloc (09022015). Collection method: clinical testing. Allele origin: germline.
Comment: This sequence change affects codon 329 of the ALG6 mRNA. It is a 'silent' change, meaning that it does not change the encoded amino acid sequence of the ALG6 protein. This variant also falls at the last nucleotide of exon 11, which is part of the consensus splice site for this exon. This variant is not present in population databases (gnomAD no frequency). In summary, the available evidence is currently insufficient to determine the role of this variant in disease. Therefore, it has been classified as a Variant of Uncertain Significance. Variants that disrupt the consensus splice site are a relatively common cause of aberrant splicing (PMID: 17576681, 9536098). Algorithms developed to predict the effect of sequence changes on RNA splicing suggest that this variant may disrupt the consensus splice site. This variant has not been reported in the literature in individuals affected with ALG6-related conditions.

Literature cited by the submitters: PubMed 17576681; PubMed 9536098.

NM_013339.4(ALG6):c.987G>A (p.Leu329=)

Gene: ALG6 (ALG6 alpha-1,3-glucosyltransferase; plus strand). Cytogenetic location: 1p31.3.
Variant type: single nucleotide variant.
Coding change: c.987G>A on transcript NM_013339.4 (MANE Select); coding-DNA position 987, G replaced by A.
Protein change: p.Leu329=; no amino-acid change (leucine 329 retained).
Molecular consequence: synonymous variant.
Genome position (GRCh38, 1-based): chr1:63,415,957, G>A. VCF-style: chr1-63415957-G-A. GRCh37 (hg19) VCF-style: chr1-63881628-G-A.
Identifiers: ClinVar variation 2123282 (VCV002123282.4), dbSNP rs2523760868, ClinGen allele CA418203092.